The following is an entry in ClinVar:

NM_004995.4(MMP14):c.1550G>T (p.Gly517Val)

Gene: MMP14 (matrix metallopeptidase 14; plus strand). Cytogenetic location: 14q11.2.
Variant type: single nucleotide variant.
Coding change: c.1550G>T on transcript NM_004995.4 (MANE Select); coding-DNA position 1550, G replaced by T.
Protein change: p.Gly517Val; replaces glycine 517 with valine.
Molecular consequence: missense variant.
Genome position (GRCh38, 1-based): chr14:22,845,840, G>T. VCF-style: chr14-22845840-G-T. GRCh37 (hg19) VCF-style: chr14-23315049-G-T.
Other names: short protein forms G517V.
Identifiers: ClinVar variation 3662125 (VCV003662125.2).
Genomic context (GRCh38, chr14:22,845,840, plus strand): 5'-ACCCCAAGTCAGCCCTGAGGGACTGGATGGGCTGCCCATCGGGAGGCCGGCCGGATGAGG[G>T]GACTGAGGAGGAGACGGAGGTGATCATCATTGAGGTGGACGAGGAGGGCGGCGGGGCGGT-3'
Protein context (NP_004986.1, residues 507-527): GCPSGGRPDE[Gly517Val]TEEETEVIII

ClinVar aggregate classification (germline): Uncertain significance (1 of 4 stars; one submission).

Submission:

Labcorp Genetics (formerly Invitae), Labcorp
Classification: Uncertain significance. Last evaluated: 2025-12-08. Review status: criteria provided, single submitter. Criteria: Invitae Variant Classification Sherloc (09022015). Collection method: clinical testing. Allele origin: germline.
Comment: This sequence change replaces glycine, which is neutral and non-polar, with valine, which is neutral and non-polar, at codon 517 of the MMP14 protein (p.Gly517Val). This variant is not present in population databases (gnomAD no frequency). This variant has not been reported in the literature in individuals affected with MMP14-related conditions. ClinVar contains an entry for this variant (Variation ID: 3662125). An algorithm developed to predict the effect of missense changes on protein structure and function (PolyPhen-2) suggests that this variant is likely to be disruptive. In summary, the available evidence is currently insufficient to determine the role of this variant in disease. Therefore, it has been classified as a Variant of Uncertain Significance.